The following is an entry in ClinVar:

NM_006087.4(TUBB4A):c.740A>T (p.Asn247Ile)

Gene: TUBB4A (tubulin beta 4A class IVa; minus strand). Cytogenetic location: 19p13.3.
Variant type: single nucleotide variant.
Coding change: c.740A>T on transcript NM_006087.4 (MANE Select); coding-DNA position 740, A replaced by T.
Protein change: p.Asn247Ile; replaces asparagine 247 with isoleucine.
Molecular consequence: missense variant.
Genome position (GRCh38, 1-based): chr19:6,495,759, T>A on the plus strand (A>T on the coding strand, the complement: TUBB4A is on the minus strand). VCF-style: chr19-6495759-T-A. GRCh37 (hg19) VCF-style: chr19-6495770-T-A.
Other names: c.893A>T, p.Asn298Ile (NM_001289123.2); c.875A>T, p.Asn292Ile (NM_001289127.2); c.740A>T, p.Asn247Ile (NM_001289129.2); c.524A>T, p.Asn175Ile (NM_001289130.2, NM_001289131.2); short protein forms N175I, N247I, N292I, N298I.
Identifiers: ClinVar variation 2431596 (VCV002431596.1), dbSNP rs2512753606, ClinGen allele CA403591225.

ClinVar aggregate classification (germline): Uncertain significance (1 of 4 stars; one submission).

Conditions:
Leukodystrophy, hypomyelinating, 6. Also called: LEUKODYSTROPHY, HYPOMYELINATING, WITH ATROPHY OF THE BASAL GANGLIA AND CEREBELLUM; TUBB4A-Associated Leukodystrophy; Hypomyelination with Atrophy of Basal Ganglia and Cerebellum (H-ABC). Identifiers: Orphanet 139441, MedGen C2676244, MONDO:0012905, OMIM 612438.

Submission:

Laboratorio de Genetica e Diagnostico Molecular, Hospital Israelita Albert Einstein
Classification: Uncertain significance for Leukodystrophy, hypomyelinating, 6. Last evaluated: 2022-12-02. Review status: criteria provided, single submitter. Criteria: ACMG Guidelines, 2015. Collection method: clinical testing. Allele origin: germline. Affected: yes. Observed: 1 variant allele.
Comment: ACMG classification criteria: PM1 moderated, PM2 moderated, PP3 supporting